The following is an entry in ClinVar:

ClinVar aggregate classification (germline): Uncertain significance (1 of 4 stars; one submission).

Submission:

Labcorp Genetics (formerly Invitae), Labcorp
Classification: Uncertain significance. Last evaluated: 2024-05-22. Review status: criteria provided, single submitter. Criteria: Invitae Variant Classification Sherloc (09022015). Collection method: clinical testing. Allele origin: germline.
Comment: This sequence change replaces glutamine, which is neutral and polar, with glutamic acid, which is acidic and polar, at codon 167 of the RINT1 protein (p.Gln167Glu). This variant is not present in population databases (gnomAD no frequency). This variant has not been reported in the literature in individuals affected with RINT1-related conditions. ClinVar contains an entry for this variant (Variation ID: 1415692). An algorithm developed to predict the effect of missense changes on protein structure and function (PolyPhen-2) suggests that this variant is likely to be tolerated. In summary, the available evidence is currently insufficient to determine the role of this variant in disease. Therefore, it has been classified as a Variant of Uncertain Significance.

NM_021930.6(RINT1):c.499C>G (p.Gln167Glu)

Gene: RINT1 (RAD50 interactor 1; plus strand). Cytogenetic location: 7q22.3.
Variant type: single nucleotide variant.
Coding change: c.499C>G on transcript NM_021930.6 (MANE Select); coding-DNA position 499, C replaced by G.
Protein change: p.Gln167Glu; replaces glutamine 167 with glutamic acid.
Molecular consequence: missense variant. On other transcripts: 5 prime UTR variant (3), non-coding transcript variant (1).
Genome position (GRCh38, 1-based): chr7:105,542,633, C>G. VCF-style: chr7-105542633-C-G. GRCh37 (hg19) VCF-style: chr7-105183080-C-G.
Other names: c.265C>G, p.Gln89Glu (NM_001346599.2); c.-521C>G (NM_001346600.2); c.-424C>G (NM_001346601.2); c.-44C>G (NM_001346603.2); short protein forms Q167E, Q89E.
Identifiers: ClinVar variation 1415692 (VCV001415692.6), dbSNP rs2133374047, ClinGen allele CA368803922.